The following is an entry in ClinVar:

ClinVar aggregate classification (germline): Uncertain significance. Review status: criteria provided, multiple submitters, no conflicts (2 of 4 stars). 2 submissions from 2 submitters: Uncertain significance (2). Last evaluated 2025-12-09.

Conditions:
POLD1-related polyposis and colorectal cancer syndrome (CRCS10). Also called: COLORECTAL CANCER, SUSCEPTIBILITY TO, ON CHROMOSOME 19q; Colorectal cancer 10; Colorectal cancer, susceptibility to, 10. Identifiers: Orphanet 220460, MedGen C2675481, MONDO:0012953, OMIM 612591.
Hereditary cancer-predisposing syndrome. Also called: Neoplastic Syndromes, Hereditary; Tumor predisposition; Hereditary neoplastic syndrome; Hereditary Cancer Syndrome. Identifiers: Orphanet 140162, MedGen C0027672, MeSH D009386, MONDO:0015356.

Submissions (2):

Ambry Genetics
Classification: Uncertain significance for Hereditary cancer-predisposing syndrome. Last evaluated: 2025-12-09. Review status: criteria provided, single submitter. Criteria: Ambry Variant Classification Scheme 2023. Collection method: clinical testing. Allele origin: germline.

Labcorp Genetics (formerly Invitae), Labcorp
Classification: Uncertain significance for POLD1-related polyposis and colorectal cancer syndrome. Last evaluated: 2022-06-25. Review status: criteria provided, single submitter. Criteria: Invitae Variant Classification Sherloc (09022015). Collection method: clinical testing. Allele origin: germline.
Comment: In summary, the available evidence is currently insufficient to determine the role of this variant in disease. Therefore, it has been classified as a Variant of Uncertain Significance. Algorithms developed to predict the effect of missense changes on protein structure and function are either unavailable or do not agree on the potential impact of this missense change (SIFT: "Deleterious"; PolyPhen-2: "Benign"; Align-GVGD: "Class C0"). This variant has not been reported in the literature in individuals affected with POLD1-related conditions. This variant is not present in population databases (gnomAD no frequency). This sequence change replaces serine, which is neutral and polar, with proline, which is neutral and non-polar, at codon 408 of the POLD1 protein (p.Ser408Pro).

NM_002691.4(POLD1):c.1222T>C (p.Ser408Pro)

Gene: POLD1 (DNA polymerase delta 1, catalytic subunit; plus strand). Cytogenetic location: 19q13.33.
Variant type: single nucleotide variant.
Coding change: c.1222T>C on transcript NM_002691.4 (MANE Select); coding-DNA position 1222, T replaced by C.
Protein change: p.Ser408Pro; replaces serine 408 with proline.
Molecular consequence: missense variant. On other transcripts: non-coding transcript variant (1).
Genome position (GRCh38, 1-based): chr19:50,403,577, T>C. VCF-style: chr19-50403577-T-C. GRCh37 (hg19) VCF-style: chr19-50906834-T-C.
Other names: c.1222T>C, p.Ser408Pro (NM_001256849.1, NM_001308632.1); short protein forms S408P.
Identifiers: ClinVar variation 1753500 (VCV001753500.9), dbSNP rs2513977482, ClinGen allele CA406978611.